The following is an entry in ClinVar:

ClinVar aggregate classification (germline): Likely benign. Review status: criteria provided, multiple submitters, no conflicts (2 of 4 stars). 3 submissions from 3 submitters: Likely benign (3). Last evaluated 2026-04-04.

Conditions:
CACNA1C-related disorder. Also called: CACNA1C-related condition; CACNA1C-related disorders. Identifiers: MedGen CN381092, MONDO:0700321.
Long QT syndrome (LQTS). Identifiers: MedGen C0023976, MeSH D008133, MONDO:0002442. Disease mechanism: loss of function. Inheritance: Various modes of inheritance.
Cardiovascular phenotype. Identifiers: MedGen CN230736.

Allele frequency attached by ClinVar (database versions not stated): gnomAD exomes 0.00001; ExAC 0.00006; TOPMed 0.00001.
gnomAD v4.1: 7 of 1,576,150 alleles (0.00044%); highest among the groups gnomAD compares: East Asian, 0.0023%; no homozygotes.

Submissions (3):

PreventionGenetics, part of Exact Sciences
Classification: Likely benign for CACNA1C-related condition. Last evaluated: 2026-04-04. Review status: criteria provided, single submitter. Criteria: ACMG Guidelines, 2015. Collection method: clinical testing. Allele origin: germline.
Comment: This variant is classified as likely benign based on ACMG/AMP sequence variant interpretation guidelines (Richards et al. 2015 PMID: 25741868, with internal and published modifications).

Labcorp Genetics (formerly Invitae), Labcorp
Classification: Likely benign for Long QT syndrome. Last evaluated: 2025-11-22. Review status: criteria provided, single submitter. Criteria: Invitae Variant Classification Sherloc (09022015). Collection method: clinical testing. Allele origin: germline.

Ambry Genetics
Classification: Likely benign for Cardiovascular phenotype. Last evaluated: 2021-08-19. Review status: criteria provided, single submitter. Criteria: Ambry Variant Classification Scheme 2023. Collection method: clinical testing. Allele origin: germline.

NM_000719.7(CACNA1C):c.5109C>T (p.Phe1703=)

Genes: CACNA1C (calcium voltage-gated channel subunit alpha1 C; plus strand), CACNA1C-AS1 (CACNA1C antisense RNA 1; minus strand). Cytogenetic location: 12p13.33.
Variant type: single nucleotide variant.
Coding change: c.5109C>T on transcript NM_000719.7 (MANE Select); coding-DNA position 5109, C replaced by T.
Protein change: p.Phe1703=; no amino-acid change (phenylalanine 1703 retained).
Molecular consequence: synonymous variant.
Genome position (GRCh38, 1-based): chr12:2,679,461, C>T. VCF-style: chr12-2679461-C-T. GRCh37 (hg19) VCF-style: chr12-2788627-C-T.
Other names: c.5253C>T, p.Phe1751= (NM_001129827.2, NM_199460.4); c.5232C>T, p.Phe1744= (NM_001129829.2); c.5109C>T, p.Phe1703= (NM_001129830.3, NM_001129842.2, NM_001129843.2 and 4 more transcripts); c.5193C>T, p.Phe1731= (NM_001129831.2); c.5100C>T, p.Phe1700= (NM_001129844.2); c.5076C>T, p.Phe1692= (NM_001129846.2, NM_001167625.2); c.5169C>T, p.Phe1723= (NM_001129832.2); c.5166C>T, p.Phe1722= (NM_001129833.2, NM_001129834.2, NM_001129835.2); and 3 more.
Identifiers: ClinVar variation 527028 (VCV000527028.12), dbSNP rs767569416, ClinGen allele CA6389710.
Genomic context (GRCh38, chr12:2,679,461, plus strand): 5'-GTGCTAAGGGGCTTCTCCACCCACCCCTCCTTCTTGCCTACAGAGGGCCGGTGGCCTGTT[C>T]GGCAACCACGTCAGCTACTACCAAAGCGACGGCCGGAGCGCCTTCCCCCAGACCTTCACC-3'
Protein context (NP_000710.5, residues 1693-1713): DDIFRRAGGL[Phe1703=]GNHVSYYQSD